The following is an entry in ClinVar:

ClinVar aggregate classification (germline): Benign/Likely benign. Review status: criteria provided, multiple submitters, no conflicts (2 of 4 stars). 15 submissions from 15 submitters: Benign (13); Likely benign (1). 1 of the submissions does not count toward it. Last evaluated 2026-02-04.

Conditions:
Cardiovascular phenotype. Identifiers: MedGen CN230736.
Dystrophin deficiency.
Becker muscular dystrophy (BMD). Also called: MUSCULAR DYSTROPHY, PSEUDOHYPERTROPHIC PROGRESSIVE, BECKER TYPE; Becker Muscular Dystrophy (BMD). Identifiers: Orphanet 98895, MedGen C0917713, MONDO:0010311, OMIM 300376.
Cardiomyopathy (CMYO). Also called: Cardiomyopathies. Identifiers: Orphanet 167848, MedGen C0878544, MONDO:0004994, HP:0001638. Inheritance: Various modes of inheritance.
Duchenne muscular dystrophy (DMD). Also called: Duchenne Muscular Dystrophy (DMD); MUSCULAR DYSTROPHY, PSEUDOHYPERTROPHIC PROGRESSIVE, DUCHENNE TYPE. Identifiers: Orphanet 98896, MedGen C0013264, MONDO:0010679, OMIM 310200.
Dilated cardiomyopathy 3B (CMD3B). Also called: CMD3B: DMD-Related Dilated Cardiomyopathy; CARDIOMYOPATHY, DILATED, X-LINKED; DMD-Associated Dilated Cardiomyopathy. Identifiers: Orphanet 154, MedGen C3668940, MONDO:0010542, OMIM 302045.

Allele frequency attached by ClinVar (database versions not stated): 1000 Genomes Project 30x 0.03247; TOPMed 0.03605; ESP Exome Variant Server 0.04005.
gnomAD v4.1: 7,436 of 1,209,407 alleles (0.61%); highest among the groups gnomAD compares: African/African-American, 11%; 282 homozygotes.

Submissions (15):

Labcorp Genetics (formerly Invitae), Labcorp
Classification: Benign for Duchenne muscular dystrophy. Last evaluated: 2026-02-04. Review status: criteria provided, single submitter. Criteria: Invitae Variant Classification Sherloc (09022015). Collection method: clinical testing. Allele origin: germline.

ARUP Laboratories, Molecular Genetics and Genomics, ARUP Laboratories
Classification: Benign. Last evaluated: 2025-07-22. Review status: criteria provided, single submitter. Criteria: ARUP Molecular Germline Variant Investigation Process 2024. Collection method: clinical testing. Allele origin: germline.

Molecular Diagnostic Laboratory for Inherited Cardiovascular Disease, Montreal Heart Institute
Classification: Benign. Last evaluated: 2025-04-09. Review status: criteria provided, single submitter. Criteria: ACMG Guidelines, 2015. Collection method: clinical testing. Allele origin: germline. Affected: no.

Blueprint Genetics
Classification: Likely benign. Last evaluated: 2024-11-28. Review status: criteria provided, single submitter. Criteria: ACMG Guidelines, 2015. Collection method: clinical testing. Allele origin: germline.

Mayo Clinic Laboratories, Mayo Clinic
Classification: Benign. Last evaluated: 2023-01-15. Review status: criteria provided, single submitter. Criteria: ACMG Guidelines, 2015. Collection method: clinical testing. Allele origin: germline. Observed: 41 variant alleles.

Women's Health and Genetics/Laboratory Corporation of America, LabCorp
Classification: Benign. Last evaluated: 2018-07-13. Review status: criteria provided, single submitter. Criteria: LabCorp Variant Classification Summary - May 2015. Collection method: clinical testing. Allele origin: germline.
Comment: Variant summary: DMD c.1869C>T alters a non-conserved nucleotide resulting in a synonymous change. 5/5 computational tools predict no significant impact on normal splicing. However, these predictions have yet to be confirmed by functional studies. The variant allele was found at a frequency of 0.011 in 200065 control chromosomes, predominantly at a frequency of 0.11 within the African subpopulation in the gnomAD database, including 93 homozygotes. The observed variant frequency within African control individuals in the gnomAD database is approximately 9.84 fold of the estimated maximal expected allele frequency for a pathogenic variant in DMD causing Dystrophiopathies phenotype (0.011), strongly suggesting that the variant is a benign polymorphism found primarily in populations of African origin. To our knowledge, no occurrence of c.1869C>T in individuals affected with Dystrophiopathies and no experimental evidence demonstrating its impact on protein function have been reported. Five clinical diagnostic laboratories have submitted clinical-significance assessments for this variant to ClinVar after 2014 without evidence for independent evaluation. All laboratories classified the variant as benign/likely benign. Based on the evidence outlined above, the variant was classified as benign.

Illumina Laboratory Services, Illumina
Classification: Benign for Dilated cardiomyopathy 3B. Last evaluated: 2018-01-13. Review status: criteria provided, single submitter. Criteria: ICSL Variant Classification Criteria 13 December 2019. Collection method: clinical testing. Allele origin: germline.
Comment: This variant was observed in the ICSL laboratory as part of a predisposition screen in an ostensibly healthy population. It had not been previously curated by ICSL or reported in the Human Gene Mutation Database (HGMD: prior to June 1st, 2018), and was therefore a candidate for classification through an automated scoring system. Utilizing variant allele frequency, disease prevalence and penetrance estimates, and inheritance mode, an automated score was calculated to assess if this variant is too frequent to cause the disease. Based on the score and internal cut-off values, a variant classified as benign is not then subjected to further curation. The score for this variant resulted in a classification of benign for this disease.

Athena Diagnostics
Classification: Benign. Last evaluated: 2017-10-09. Review status: criteria provided, single submitter. Criteria: Athena Diagnostics Criteria. Collection method: clinical testing. Allele origin: germline.

Ambry Genetics
Classification: Benign for Cardiovascular phenotype. Last evaluated: 2015-10-20. Review status: criteria provided, single submitter. Criteria: Ambry Variant Classification Scheme 2023. Collection method: clinical testing. Allele origin: germline.

Laboratory for Molecular Medicine, Mass General Brigham Personalized Medicine
Classification: Benign. Last evaluated: 2015-01-13. Review status: criteria provided, single submitter. Criteria: LMM Criteria. Collection method: clinical testing. Allele origin: germline. Observed: 25 variant alleles.
Comment: p.Leu623Leu in exon 16 of DMD: This variant is not expected to have clinical sig nificance because it does not alter an amino acid residue and is not located wit hin the splice consensus sequence. It has been identified in 10.9% (418/3833) of African American chromosomes by the NHLBI Exome Sequencing Project (.; dbSNP rs1800267).

Eurofins Ntd Llc (ga)
Classification: Benign. Last evaluated: 2014-04-29. Review status: criteria provided, single submitter. Criteria: EGL Classification Definitions 2015. Collection method: clinical testing. Allele origin: germline. Observed: 22 variant alleles, 8 heterozygotes, 1 homozygote, 13 hemizygotes.

GeneDx
Classification: Benign. Last evaluated: 2014-03-28. Review status: criteria provided, single submitter. Criteria: GeneDx Variant Classification (06012015). Collection method: clinical testing. Allele origin: germline. Affected: yes.
Comment: This variant is considered likely benign or benign based on one or more of the following criteria: it is a conservative change, it occurs at a poorly conserved position in the protein, it is predicted to be benign by multiple in silico algorithms, and/or has population frequency not consistent with disease.

Breakthrough Genomics
Classification: Benign. Review status: criteria provided, single submitter. Criteria: ACMG Guidelines, 2015. Collection method: not provided. Allele origin: germline. Inheritance: X-linked inheritance. Affected: yes.

PreventionGenetics, part of Exact Sciences
Classification: Benign. Review status: criteria provided, single submitter. Criteria: ACMG Guidelines, 2015. Collection method: clinical testing. Allele origin: germline.

Natera, Inc.
Classification: Benign for Becker muscular dystrophy; Cardiomyopathy; Duchenne muscular dystrophy; Dystrophin deficiency. Last evaluated: 2017-04-21. Review status: no assertion criteria provided. Collection method: clinical testing. Allele origin: germline. Not counted in ClinVar's aggregate classification.

NM_004006.3(DMD):c.1869C>T (p.Leu623=)

Gene: DMD (dystrophin; minus strand). Cytogenetic location: Xp21.1.
Variant type: single nucleotide variant.
Coding change: c.1869C>T on transcript NM_004006.3 (MANE Select); coding-DNA position 1869, C replaced by T.
Protein change: p.Leu623=; no amino-acid change (leucine 623 retained).
Molecular consequence: synonymous variant.
Genome position (GRCh38, 1-based): chrX:32,565,825, G>A on the plus strand (C>T on the coding strand, the complement: DMD is on the minus strand). VCF-style: chrX-32565825-G-A. GRCh37 (hg19) VCF-style: chrX-32583942-G-A.
Other names: p.L623L:CTC>CTT; p.Leu623=; c.1845C>T, p.Leu615= (NM_000109.4); c.1857C>T, p.Leu619= (NM_004009.3); c.1500C>T, p.Leu500= (NM_004010.3).
Identifiers: ClinVar variation 94482 (VCV000094482.38), dbSNP rs1800267, ClinGen allele CA285535.
Genomic context (GRCh38, chrX:32,565,825, plus strand): 5'-CCATGCTTCCGTCTTCTGGGTCACTGACTTATTCTTCAGTGTTGAAAGAAGATCTTGTTT[G>A]AGTGAATACAGTTTGCCCATGGATTGCTTTTTCTTTTCTAGATCCGCTTTTAAAACCTGT-3'
Protein context (NP_003997.2, residues 613-633): KKQSMGKLYS[Leu623=]KQDLLSTLKN